The following is an entry in ClinVar:

ClinVar aggregate classification (germline): Likely pathogenic (1 of 4 stars; one submission).

Conditions:
Amyotrophic lateral sclerosis type 12 (ALS12). Also called: AMYOTROPHIC LATERAL SCLEROSIS 12 WITH OR WITHOUT FRONTOTEMPORAL DEMENTIA. Identifiers: Orphanet 803, MedGen C3150692, MONDO:0013264, OMIM 613435.

Submission:

Human Genetics Bochum, Ruhr University Bochum
Classification: Likely pathogenic for Amyotrophic lateral sclerosis type 12. Last evaluated: 2025-12-02. Review status: criteria provided, single submitter. Criteria: ACMG Guidelines, 2015. Collection method: clinical testing. Allele origin: germline. Affected: yes.
Comment: ACMG criteria used to clasify this variant: PVS1, PM2_SUP

NM_001008212.2(OPTN):c.1402-1G>A

Gene: OPTN (optineurin; plus strand). Cytogenetic location: 10p13.
Variant type: single nucleotide variant.
Coding change: c.1402-1G>A on transcript NM_001008212.2 (MANE Select); the canonical splice acceptor site of the intron before coding-DNA position 1402, G replaced by A.
Molecular consequence: splice acceptor variant.
Genome position (GRCh38, 1-based): chr10:13,132,066, G>A. VCF-style: chr10-13132066-G-A. GRCh37 (hg19) VCF-style: chr10-13174066-G-A.
Other names: c.1402-1G>A (NM_001008211.1, NM_001008213.1, NM_021980.4).
Identifiers: ClinVar variation 4687975 (VCV004687975.1).